The following is an entry in ClinVar:

ClinVar aggregate classification (germline): Uncertain significance (1 of 4 stars; one submission).

Conditions:
Charcot-Marie-Tooth disease type 2. Also called: Charcot-Marie-Tooth type 2. Identifiers: Orphanet 64746, MedGen C0270914, MONDO:0018993.

Submission:

Labcorp Genetics (formerly Invitae), Labcorp
Classification: Uncertain significance for Charcot-Marie-Tooth disease type 2. Last evaluated: 2017-12-04. Review status: criteria provided, single submitter. Criteria: Invitae Variant Classification Sherloc (09022015). Collection method: clinical testing. Allele origin: germline.
Comment: In summary, the available evidence is currently insufficient to determine the role of this variant in disease. Therefore, it has been classified as a Variant of Uncertain Significance. Algorithms developed to predict the effect of missense changes on protein structure and function (SIFT, PolyPhen-2, Align-GVGD) all suggest that this variant is likely to be tolerated, but these predictions have not been confirmed by published functional studies and their clinical significance is uncertain. This variant has not been reported in the literature in individuals with BSCL2-related disease. This variant is not present in population databases (ExAC no frequency). This sequence change replaces asparagine with aspartic acid at codon 362 of the BSCL2 protein (p.Asn362Asp). The asparagine residue is moderately conserved and there is a small physicochemical difference between asparagine and aspartic acid.

NM_001122955.4(BSCL2):c.1276A>G (p.Asn426Asp)

Genes: HNRNPUL2-BSCL2 (HNRNPUL2-BSCL2 readthrough (NMD candidate); minus strand), BSCL2 (BSCL2 lipid droplet biogenesis associated, seipin; minus strand). Cytogenetic location: 11q12.3.
Variant type: single nucleotide variant.
Coding change: c.1276A>G on transcript NM_001122955.4 (MANE Select); coding-DNA position 1276, A replaced by G.
Protein change: p.Asn426Asp; replaces asparagine 426 with aspartic acid.
Molecular consequence: missense variant. On other transcripts: non-coding transcript variant (1), 3 prime UTR variant (1).
Genome position (GRCh38, 1-based): chr11:62,690,480, T>C on the plus strand (A>G on the coding strand, the complement: BSCL2 is on the minus strand). VCF-style: chr11-62690480-T-C. GRCh37 (hg19) VCF-style: chr11-62457952-T-C.
Other names: c.*78A>G (NM_001130702.2); c.1282A>G, p.Asn428Asp (NM_001386027.1); c.1276A>G, p.Asn426Asp (NM_001386028.1); c.1084A>G, p.Asn362Asp (NM_032667.6); short protein forms N362D, N426D, N428D.
Identifiers: ClinVar variation 543171 (VCV000543171.8), dbSNP rs1554982825, ClinGen allele CA380954754.